The following is an entry in ClinVar:

ClinVar aggregate classification (germline): Uncertain significance. Review status: criteria provided, multiple submitters, no conflicts (2 of 4 stars). 5 submissions from 5 submitters: Uncertain significance (5). Last evaluated 2025-09-15.

Conditions:
Familial melanoma. Also called: Hereditary melanoma; Hereditary cutaneous melanoma. Identifiers: Orphanet 618, MedGen C1512419, MONDO:0018961.
Hereditary cancer-predisposing syndrome. Also called: Hereditary neoplastic syndrome; Tumor predisposition; Neoplastic Syndromes, Hereditary; Hereditary Cancer Syndrome. Identifiers: Orphanet 140162, MedGen C0027672, MeSH D009386, MONDO:0015356.
Melanoma and neural system tumor syndrome. Also called: MELANOMA-ASTROCYTOMA SYNDROME. Identifiers: Orphanet 252206, MedGen C1835042, MONDO:0007967, OMIM 155755.

Allele frequency attached by ClinVar (database versions not stated): gnomAD exomes below 0.00001 and 0.00001.

Submissions (5):

Labcorp Genetics (formerly Invitae), Labcorp
Classification: Uncertain significance for Familial melanoma. Last evaluated: 2025-09-15. Review status: criteria provided, single submitter. Criteria: Invitae Variant Classification Sherloc (09022015). Collection method: clinical testing. Allele origin: germline.
Comment: The CDKN2A gene encodes two different proteins, p16INK4a and p14ARF, which are translated from alternative transcripts with different open reading frames. Both transcripts have been analyzed. We report either the variant with the higher classification or default to the CDKN2A (p16INK4a) variant. This report therefore includes the details for the CDKN2A (p16INK4a) variant. This sequence change replaces arginine, which is basic and polar, with glycine, which is neutral and non-polar, at codon 58 of the CDKN2A (p16INK4a) protein (p.Arg58Gly). This variant is present in population databases (no rsID available, gnomAD 0.008%). This variant has not been reported in the literature in individuals affected with CDKN2A (p16INK4a)-related conditions. This variant is also known as c.215C>G (p.Pro72Arg) in the CDKN2A (p14ARF) transcript. ClinVar contains an entry for this variant (Variation ID: 532285). An algorithm developed to predict the effect of missense changes on protein structure and function (PolyPhen-2) suggests that this variant is likely to be tolerated. In summary, the available evidence is currently insufficient to determine the role of this variant in disease. Therefore, it has been classified as a Variant of Uncertain Significance.

Quest Diagnostics Nichols Institute San Juan Capistrano
Classification: Uncertain significance. Last evaluated: 2025-05-06. Review status: criteria provided, single submitter. Criteria: Quest Diagnostics criteria. Collection method: clinical testing. Allele origin: unknown.
Comment: The CDKN2A c.172C>G (p.Arg58Gly) p16ARF (also known as NM_058195.3:c.215C>G (p.Pro72Arg) in the p14ARF) variant has not been reported in individuals with CDKN2A-related conditions in the published literature. The frequency of these variant in the general population, 0.0000046 (1/219734 chromosomes (Genome Aggregation Database)), is uninformative in the assessment of its pathogenicity. Analysis of p16 an p14 variant using bioinformatics tools for the prediction of the effect of amino acid changes on protein structure and function yielded predictions that this variant is benign. Based on the available information, we are unable to determine the clinical significance of p16 c.172C>G (p.Arg58Gly) and p14 c.215C>G (p.Pro72Arg) variants.

Ambry Genetics
Classification: Uncertain significance for Hereditary cancer-predisposing syndrome. Last evaluated: 2024-04-30. Review status: criteria provided, single submitter. Criteria: Ambry Variant Classification Scheme 2023. Collection method: clinical testing. Allele origin: germline.
Comment: The p.R58G variant (also known as c.172C>G), located in coding exon 2 of the CDKN2A gene, results from a C to G substitution at nucleotide position 172. The arginine at codon 58 is replaced by glycine, an amino acid with dissimilar properties. This amino acid position is not well conserved in available vertebrate species. In addition, this alteration is predicted to be tolerated by in silico analysis. Based on the available evidence, the clinical significance of this variant remains unclear.

Baylor Genetics
Classification: Uncertain significance for Melanoma and neural system tumor syndrome. Last evaluated: 2024-02-20. Review status: criteria provided, single submitter. Criteria: ACMG Guidelines, 2015. Collection method: clinical testing. Allele origin: unknown.

Color Diagnostics, LLC DBA Color Health
Classification: Uncertain significance for Hereditary cancer-predisposing syndrome. Last evaluated: 2021-07-26. Review status: criteria provided, single submitter. Criteria: ACMG Guidelines, 2015. Collection method: clinical testing. Allele origin: germline.
Comment: This missense variant replaces arginine with glycine at codon 58 of the CDKN2A (p16INK4A) protein. Computational prediction suggests that this variant may not impact protein structure and function (internally defined REVEL score threshold <= 0.5, PMID: 27666373). To our knowledge, functional studies have not been reported for this variant. This variant has not been reported in individuals affected with hereditary cancer in the literature. This variant has been identified in 1/219734 chromosomes in the general population by the Genome Aggregation Database (gnomAD). The available evidence is insufficient to determine the role of this variant in disease conclusively. Therefore, this variant is classified as a Variant of Uncertain Significance.

NM_000077.5(CDKN2A):c.172C>G (p.Arg58Gly)

Gene: CDKN2A (cyclin dependent kinase inhibitor 2A; minus strand). Cytogenetic location: 9p21.3.
Variant type: single nucleotide variant.
Coding change: c.172C>G on transcript NM_000077.5; coding-DNA position 172, C replaced by G.
Protein change: p.Arg58Gly; replaces arginine 58 with glycine.
Molecular consequence: missense variant (on NM_000077.6). On other transcripts: 3 prime UTR variant (1).
Genome position (GRCh38, 1-based): chr9:21,971,187, G>C on the plus strand (C>G on the coding strand, the complement: CDKN2A is on the minus strand). VCF-style: chr9-21971187-G-C. GRCh37 (hg19) VCF-style: chr9-21971186-G-C.
Other names: c.172C>G, p.Arg58Gly (NM_000077.6, NM_001195132.2); c.19C>G, p.Arg7Gly (NM_001363763.2); c.215C>G, p.Pro72Arg (NM_058195.4); c.*95C>G (NM_058197.5); short protein forms P72R, R58G, R7G.
Identifiers: ClinVar variation 532285 (VCV000532285.19), dbSNP rs121913387, ClinGen allele CA373086413.
Genomic context (GRCh38, chr9:21,971,187, plus strand): 5'-GAGTGGCGGGGTCGGCGCAGTTGGGCTCCGCGCCGTGGAGCAGCAGCAGCTCCGCCACTC[G>C]GGCGCTGCCCATCATCATGACCTGCCAGAGAGAACAGAATGGTCAGAGCCAGGGTGGGGG-3'
Protein context (NP_000068.1, residues 48-68): PIQVMMMGSA[Arg58Gly]VAELLLLHGA